The following is an entry in ClinVar:

NC_012920.1(MT-TL1):m.3274A>G

Gene: MT-TL1 (mitochondrially encoded tRNA leucine 1 (UUA/G); plus strand).
Variant type: single nucleotide variant.
Genome position: chrM-3274-A-G.
Other names: 3274A-G.
Identifiers: ClinVar variation 9598 (VCV000009598.5), dbSNP rs199474666, ClinGen allele CA120568.
Genomic context (GRCh38, chrMT:3,274, plus strand): 5'-CCCAAGAACAGGGTTTGTTAAGATGGCAGAGCCCGGTAATCGCATAAAACTTAAAACTTT[A>G]CAGTCAGAGGTTCAATTCCTCTTCTTAACAACATACCCATGGCCAACCTCCTACTCCTCA-3'

ClinVar aggregate classification (germline): Uncertain significance. Review status: reviewed by expert panel (3 of 4 stars). 4 submissions from 4 submitters: Uncertain significance (1). 3 of the submissions do not count toward it. Last evaluated 2024-04-23.

Conditions:
Mitochondrial disease. Also called: Mitochondrial disorder; Mitochondrial disorders. Identifiers: Orphanet 68380, MedGen C0751651, MeSH D028361, MONDO:0044970.
MELAS syndrome (MELAS). Also called: Juvenile myopathy, encephalopathy, lactic acidosis, stroke. Identifiers: Orphanet 550, MedGen C0162671, MONDO:0010789, OMIM 540000.
Neuropsychiatric disorder and early-onset cataract. Identifiers: MedGen C4016618.
MERRF syndrome (MERRF). Also called: Myoclonus with epilepsy with ragged red fibers; Myoencephalopathy ragged-red fiber disease; MYOCLONIC EPILEPSY ASSOCIATED WITH RAGGED-RED FIBERS. Identifiers: Orphanet 551, MedGen C0162672, MONDO:0010790, OMIM 545000.

Submissions (4):

ClinGen Mitochondrial Disease Nuclear and Mitochondrial  Variant Curation Expert Panel, ClinGen
Classification: Uncertain significance for Mitochondrial disease. Last evaluated: 2024-04-23. Review status: reviewed by expert panel. Criteria: clingen mito disease acmg specifications v1-1. Collection method: curation. Allele origin: germline. Inheritance: Mitochondrial inheritance.
Comment: Brain MRIs showed progressive cerebral and cerebellar atrophy and T2 hyperintense lesions in the basal ganglia. Muscle biopsy showed increased central nuclei and ragged red fibers, with reduced complex I activity (53% of lowest norm). The variant was present at 25% in muscle and undetectable in blood (PMID: 11723298). The variant was absent in blood from three healthy maternal family members, but this cannot be considered evidence of de novo status as the variant was also absent in the proband’s blood. This variant is absent in the GenBank dataset, Helix dataset, and gnomAD v3.1.2 (PM2_supporting). Single fiber testing showed higher levels of the variant in ragged red fibers (55 ± 26.1%; N=22; mutant mtDNA found in every fiber) than in normal fibers (14 ± 25.7%; N=16; mutant mtDNA found in 7/16 fibers), p<0.001 (PS3_supporting, PMID: 11723298). The computational predictor MitoTIP suggests this variant is pathogenic (77.1 percentile) and HmtVAR predicts it to be pathogenic score of 0.55 (PP3). In summary, this variant meets criteria to be classified as uncertain significance for primary mitochondrial disease inherited in a mitochondrial manner. This classification was approved by the NICHD/NINDS U24 ClinGen Mitochondrial Disease Variant Curation Expert Panel on April 23, 2024. Mitochondrial DNA-specific ACMG/AMP criteria applied (PMID: 32906214): PS3_supporting, PM2_supporting, PP3.

MGZ Medical Genetics Center
Classification: Uncertain significance for MERRF syndrome. Last evaluated: 2022-08-23. Review status: criteria provided, single submitter. Criteria: ACMG Guidelines, 2015. Collection method: clinical testing. Allele origin: germline. Affected: yes. Observed: 1 variant allele. Not counted in ClinVar's aggregate classification.
Comment: ACMG criteria applied: PS4_SUP, PM2_SUP, PP3

Wong Mito Lab, Molecular and Human Genetics, Baylor College of Medicine
Classification: Pathogenic for MELAS syndrome. Last evaluated: 2019-07-12. Review status: criteria provided, single submitter. Criteria: Modified ACMG Guidelines (Unpublished). Collection method: clinical testing. Allele origin: germline. Not counted in ClinVar's aggregate classification.
Comment: The NC_012920.1:m.3274A>G variant in MT-TL1 gene is interpreted to be a Pathogenic variant based on the modified ACMG guidelines (unpublished). This variant meets the following evidence codes reported in the guidelines: PS3, PM7, PM8, PM9

OMIM
Classification: Pathogenic for NEUROPSYCHIATRIC DISORDER AND EARLY-ONSET CATARACT. Last evaluated: 2001-11-27. Review status: no assertion criteria provided. Collection method: literature only. Allele origin: germline. Not counted in ClinVar's aggregate classification.

Literature cited by the submitters: PubMed 11723298 (cited by 3 submitters); PubMed 31965079 (cited by Wong Mito Lab, Molecular and Human Genetics, Baylor College of Medicine); PubMed 16384802 (cited by Wong Mito Lab, Molecular and Human Genetics, Baylor College of Medicine).